The following is an entry in ClinVar:

ClinVar aggregate classification (germline): Uncertain significance (1 of 4 stars; one submission).

Conditions:
Hereditary cancer-predisposing syndrome. Also called: Neoplastic Syndromes, Hereditary; Hereditary Cancer Syndrome; Tumor predisposition; Hereditary neoplastic syndrome. Identifiers: Orphanet 140162, MedGen C0027672, MeSH D009386, MONDO:0015356.

Submission:

Ambry Genetics
Classification: Uncertain significance for Hereditary cancer-predisposing syndrome. Last evaluated: 2023-01-14. Review status: criteria provided, single submitter. Criteria: Ambry Variant Classification Scheme 2023. Collection method: clinical testing. Allele origin: germline.
Comment: The p.F269L variant (also known as c.805T>C), located in coding exon 3 of the XRCC2 gene, results from a T to C substitution at nucleotide position 805. The phenylalanine at codon 269 is replaced by leucine, an amino acid with highly similar properties. This amino acid position is conserved. In addition, this alteration is predicted to be tolerated by in silico analysis. Since supporting evidence is limited at this time, the clinical significance of this alteration remains unclear.

NM_005431.2(XRCC2):c.805T>C (p.Phe269Leu)

Gene: XRCC2 (X-ray repair cross complementing 2; minus strand). Cytogenetic location: 7q36.1.
Variant type: single nucleotide variant.
Coding change: c.805T>C on transcript NM_005431.2 (MANE Select); coding-DNA position 805, T replaced by C.
Protein change: p.Phe269Leu; replaces phenylalanine 269 with leucine.
Molecular consequence: missense variant.
Genome position (GRCh38, 1-based): chr7:152,648,680, A>G on the plus strand (T>C on the coding strand, the complement: XRCC2 is on the minus strand). VCF-style: chr7-152648680-A-G. GRCh37 (hg19) VCF-style: chr7-152345765-A-G.
Other names: short protein forms F269L.
Identifiers: ClinVar variation 2447658 (VCV002447658.2), dbSNP rs761476473, ClinGen allele CA370197898.